The following is an entry in ClinVar:

ClinVar aggregate classification (germline): Conflicting classifications of pathogenicity. Review status: criteria provided, conflicting classifications (1 of 4 stars). 2 submissions from 2 submitters: Uncertain significance (1); Likely benign (1). Last evaluated 2024-01-03.

Conditions:
Pityriasis rubra pilaris (PRP). Also called: Pityriasis rubra pilaris--familial type. Identifiers: Orphanet 2897, MedGen C0032027, MONDO:0100017, OMIM 173200, MONDO:0008251.
Psoriasis 2. Identifiers: MedGen C1864497, MONDO:0011269, OMIM 602723.

Allele frequency attached by ClinVar (database versions not stated): ExAC 0.00003; TOPMed 0.00003; gnomAD exomes 0.00004; gnomAD 0.00005.
gnomAD v4.1: 56 of 1,607,456 alleles (0.0035%); highest among the groups gnomAD compares: South Asian, 0.012%; no homozygotes.

Submissions (2):

Labcorp Genetics (formerly Invitae), Labcorp
Classification: Uncertain significance for Pityriasis rubra pilaris; Psoriasis 2. Last evaluated: 2024-01-03. Review status: criteria provided, single submitter. Criteria: Invitae Variant Classification Sherloc (09022015). Collection method: clinical testing. Allele origin: germline.
Comment: This sequence change replaces arginine, which is basic and polar, with cysteine, which is neutral and slightly polar, at codon 563 of the CARD14 protein (p.Arg563Cys). This variant is present in population databases (rs560820008, gnomAD 0.01%). This variant has not been reported in the literature in individuals affected with CARD14-related conditions. ClinVar contains an entry for this variant (Variation ID: 1427393). Algorithms developed to predict the effect of missense changes on protein structure and function output the following: SIFT: "Not Available"; PolyPhen-2: "Benign"; Align-GVGD: "Not Available". The cysteine amino acid residue is found in multiple mammalian species, which suggests that this missense change does not adversely affect protein function. In summary, the available evidence is currently insufficient to determine the role of this variant in disease. Therefore, it has been classified as a Variant of Uncertain Significance.

Blueprint Genetics
Classification: Likely benign. Last evaluated: 2023-03-31. Review status: criteria provided, single submitter. Criteria: ACMG Guidelines, 2015. Collection method: clinical testing. Allele origin: germline.

NM_001366385.1(CARD14):c.1687C>T (p.Arg563Cys)

Gene: CARD14 (caspase recruitment domain family member 14; plus strand). Cytogenetic location: 17q25.3.
Variant type: single nucleotide variant.
Coding change: c.1687C>T on transcript NM_001366385.1 (MANE Select); coding-DNA position 1687, C replaced by T.
Protein change: p.Arg563Cys; replaces arginine 563 with cysteine.
Molecular consequence: missense variant. On other transcripts: non-coding transcript variant (1).
Genome position (GRCh38, 1-based): chr17:80,198,427, C>T. VCF-style: chr17-80198427-C-T. GRCh37 (hg19) VCF-style: chr17-78172226-C-T.
Other names: c.1687C>T, p.Arg563Cys (NM_001257970.1, NM_024110.4); c.976C>T, p.Arg326Cys (NM_052819.3); short protein forms R326C, R563C.
Identifiers: ClinVar variation 1427393 (VCV001427393.7), dbSNP rs560820008, ClinGen allele CA8816953.